The following is an entry in ClinVar:

NM_004360.5(CDH1):c.532-1G>C

Gene: CDH1 (cadherin 1; plus strand). Cytogenetic location: 16q22.1.
Variant type: single nucleotide variant.
Coding change: c.532-1G>C on transcript NM_004360.5 (MANE Select); the canonical splice acceptor site of the intron before coding-DNA position 532, G replaced by C.
Molecular consequence: splice acceptor variant.
Genome position (GRCh38, 1-based): chr16:68,808,692, G>C. VCF-style: chr16-68808692-G-C. GRCh37 (hg19) VCF-style: chr16-68842595-G-C.
Other names: c.-1084-1G>C (NM_001317185.2); c.-1288-1G>C (NM_001317186.2); c.532-1G>C (NM_001317184.2).
Identifiers: ClinVar variation 406644 (VCV000406644.30), dbSNP rs771085839, ClinGen allele CA8129891.
Genomic context (GRCh38, chr16:68,808,692, plus strand): 5'-GGAAAAGACCCAGTGTTGGGATCCTTCTTTACTAATTCTTTTTCTTTCATTTTGTCTTCA[G>C]ATCAAATCCAACAAAGACAAAGAAGGCAAGGTTTTCTACAGCATCACTGGCCAAGGAGCT-3'

ClinVar aggregate classification (germline): Pathogenic. Review status: reviewed by expert panel (3 of 4 stars). 9 submissions from 9 submitters: Pathogenic (1). 8 of the submissions do not count toward it. Last evaluated 2024-03-25.

Conditions:
CDH1-related diffuse gastric and lobular breast cancer syndrome. Also called: CDH1-related diffuse gastric and lobular breast cancer. Identifiers: MedGen CN311521, MONDO:0100488.
Hereditary cancer-predisposing syndrome. Also called: Tumor predisposition; Neoplastic Syndromes, Hereditary; Hereditary Cancer Syndrome; Hereditary neoplastic syndrome. Identifiers: Orphanet 140162, MedGen C0027672, MeSH D009386, MONDO:0015356.
Hereditary diffuse gastric adenocarcinoma (HDGC). Also called: DIFFUSE GASTRIC AND LOBULAR BREAST CANCER SYNDROME. Identifiers: Orphanet 26106, MedGen C1708349, MONDO:0007648, OMIM 137215.
Familial cancer of breast. Also called: BREAST CANCER, FAMILIAL; hereditary breast carcinoma; Hereditary breast cancer. Identifiers: Orphanet 227535, MedGen C0346153, MONDO:0016419, OMIM 114480. Disease mechanism: loss of function.

Allele frequency attached by ClinVar (database versions not stated): gnomAD exomes below 0.00001; ExAC 0.00001.
gnomAD v4.1: 1 of 1,614,124 alleles (0.000062%); highest among the groups gnomAD compares: African/African-American, 0.0013%; no homozygotes.

Submissions (9):

Clingen Gastric Cancer Variant Curation Expert Panel
Classification: Pathogenic for CDH1-related diffuse gastric and lobular breast cancer syndrome. Last evaluated: 2024-03-25. Review status: reviewed by expert panel. Criteria: ClinGen CDH1 ACMG Specifications V3.1. Collection method: curation. Allele origin: germline. Inheritance: Autosomal dominant inheritance.
Comment: The c.532-1G>C variant is a canonical splice variant predicted to result in a truncated or absent protein (PVS1_Strong, PM5_Supporting). This variant is present once (1/245,906 alleles) in the gnomAD v2 cohort (PM2_Supporting). Additionally, this variant has been reported in six families meeting HDGC clinical criteria (PS4; internal laboratory data). RNA analysis demonstrated that this variant results in an out-of-frame transcript, r.532_547del p.(I178Tfs*32) (PS3; internal laboratory data). In summary, this variant meets criteria to be classified as pathogenic based on the ACMG/AMP criteria applied as specified by the CDH1 Variant Curation Expert Panel (Variant Interpretation Guidelines Version 3.1): PVS1_Strong, PM2_Supporting, PS4, PS3, PM5_Supporting.

Labcorp Genetics (formerly Invitae), Labcorp
Classification: Pathogenic for Hereditary diffuse gastric adenocarcinoma. Last evaluated: 2025-11-24. Review status: criteria provided, single submitter. Criteria: Invitae Variant Classification Sherloc (09022015). Collection method: clinical testing. Allele origin: germline. Not counted in ClinVar's aggregate classification.
Comment: This sequence change affects an acceptor splice site in intron 4 of the CDH1 gene. RNA analysis indicates that disruption of this splice site induces altered splicing and may result in an absent or altered protein product. This variant is present in population databases (rs771085839, gnomAD 0.007%). Disruption of this splice site has been observed in individuals with clinical features of hereditary diffuse gastric cancer syndrome (PMID: 26556299; internal data). ClinVar contains an entry for this variant (Variation ID: 406644). Studies have shown that disruption of this splice site results in partial skipping of exon 5, and produces a non-functional protein and/or introduces a premature termination codon (internal data). For these reasons, this variant has been classified as Pathogenic.

Ambry Genetics
Classification: Likely pathogenic for Hereditary cancer-predisposing syndrome. Last evaluated: 2025-10-03. Review status: criteria provided, single submitter. Criteria: Ambry Variant Classification Scheme 2023. Collection method: clinical testing. Allele origin: germline. Not counted in ClinVar's aggregate classification.
Comment: The c.532-1G>C intronic variant results from a G to C substitution one nucleotide upstream from coding exon 5 of the CDH1 gene. This nucleotide position is highly conserved in available vertebrate species. In silico splice site analysis predicts that this alteration will weaken the native splice acceptor site and will result in the creation or strengthening of a novel splice acceptor site. RNA studies have demonstrated that this alteration results in abnormal splicing in the set of samples tested (Ambry internal data). Alterations that disrupt the canonical splice site are expected to cause aberrant splicing, resulting in an abnormal protein or a transcript that is subject to nonsense-mediated mRNA decay. As such, this alteration is classified as likely pathogenic.

Myriad Genetics, Inc.
Classification: Likely pathogenic for Hereditary diffuse gastric adenocarcinoma. Last evaluated: 2023-06-09. Review status: criteria provided, single submitter. Criteria: Myriad Autosomal Dominant, Autosomal Recessive and X-Linked Classification Criteria (2023). Collection method: clinical testing. Allele origin: unknown. Not counted in ClinVar's aggregate classification.
Comment: This variant is considered likely pathogenic. This variant occurs within a consensus splice junction and is predicted to result in abnormal mRNA splicing of either an out-of-frame exon or an in-frame exon necessary for protein stability and/or normal function.

GeneDx
Classification: Likely pathogenic. Last evaluated: 2022-06-10. Review status: criteria provided, single submitter. Criteria: GeneDx Variant Classification Process June 2021. Collection method: clinical testing. Allele origin: germline. Affected: yes. Not counted in ClinVar's aggregate classification.
Comment: Canonical splice site variant expected to result in aberrant splicing, although in the absence of functional evidence the actual effect of this sequence change is unknown.; Not observed at significant frequency in large population cohorts (gnomAD); Observed in an individual with breast cancer (Palmer 2020); This variant is associated with the following publications: (PMID: 32427313)

Color Diagnostics, LLC DBA Color Health
Classification: Likely pathogenic for Hereditary cancer-predisposing syndrome. Last evaluated: 2022-05-31. Review status: criteria provided, single submitter. Criteria: ACMG Guidelines, 2015. Collection method: clinical testing. Allele origin: germline. Not counted in ClinVar's aggregate classification.
Comment: This variant causes a G to C nucleotide substitution at the -1 position of intron 4 of the CDH1 gene. Splice site prediction tools predict that this variant may have a significant impact on RNA splicing. To our knowledge, functional studies have not been reported for this variant. This variant has been reported in an individual affected with esophagogastric cancer in the literature (PMID: 26556299). This variant has been identified in 1/250964 chromosomes in the general population by the Genome Aggregation Database (gnomAD). Loss of CDH1 function is a known mechanism of disease. Based on the available evidence, this variant is classified as Likely Pathogenic.

Baylor Genetics
Classification: Likely pathogenic for Familial cancer of breast. Last evaluated: 2022-05-15. Review status: criteria provided, single submitter. Criteria: ACMG Guidelines, 2015. Collection method: clinical testing. Allele origin: unknown. Not counted in ClinVar's aggregate classification.

Sema4
Classification: Likely pathogenic for Hereditary cancer-predisposing syndrome. Last evaluated: 2021-10-22. Review status: criteria provided, single submitter. Criteria: Sema4 Curation Guidelines. Collection method: curation. Allele origin: germline. Not counted in ClinVar's aggregate classification.
Comment: The CDH1 c.532-1G>C variant has been reported in heterozygosity in at least one individual with breast cancer and one with esophagogastric cancer (PMID: 32427313, 26556299). This variant affects a nucleotide within a consensus splice site of an intron. This variant may cause exon skipping, intron retention or use of a cryptic splice site. Loss of function variants in CDH1 are known to be pathogenic (PMID: 20373070). This variant was observed in 1/250964 chromosomes in the Genome Aggregation Database (PMID: 32461654). The variant has been reported in ClinVar (Variation ID 406644). Based on the current evidence available, this variant is interpreted as likely pathogenic.

Revvity Omics, Revvity
Classification: Pathogenic. Last evaluated: 2019-02-18. Review status: criteria provided, single submitter. Criteria: ACMG Guidelines, 2015. Collection method: clinical testing. Allele origin: germline. Not counted in ClinVar's aggregate classification.

Literature cited by the submitters: PubMed 26556299 (cited by 3 submitters); PubMed 32427313 (cited by Sema4); PubMed 20373070 (cited by Sema4).